The following is an entry in ClinVar:

ClinVar aggregate classification (germline): Uncertain significance (1 of 4 stars; one submission).

Conditions:
Cardiovascular phenotype. Identifiers: MedGen CN230736.

Submission:

Ambry Genetics
Classification: Uncertain significance for Cardiovascular phenotype. Last evaluated: 2025-07-30. Review status: criteria provided, single submitter. Criteria: Ambry Variant Classification Scheme 2023. Collection method: clinical testing. Allele origin: germline.
Comment: The p.A3852V variant (also known as c.11555C>T), located in coding exon 2 of the ZNF469 gene, results from a C to T substitution at nucleotide position 11555. The alanine at codon 3852 is replaced by valine, an amino acid with similar properties. This amino acid position is conserved. In addition, this alteration is predicted to be tolerated by in silico analysis. Based on the available evidence, the clinical significance of this variant remains unclear.

NM_001127464.1:c.11555C>T

Gene: ZNF469 (zinc finger protein 469; plus strand).
Variant type: single nucleotide variant.
Identifiers: ClinVar variation 4209192 (VCV004209192.1).